The following is an entry in ClinVar:

ClinVar aggregate classification (germline): Uncertain significance (1 of 4 stars; one submission).

Submission:

Labcorp Genetics (formerly Invitae), Labcorp
Classification: Uncertain significance. Last evaluated: 2022-12-13. Review status: criteria provided, single submitter. Criteria: Invitae Variant Classification Sherloc (09022015). Collection method: clinical testing. Allele origin: germline.
Comment: This sequence change replaces aspartic acid, which is acidic and polar, with glutamic acid, which is acidic and polar, at codon 170 of the MRAS protein (p.Asp170Glu). This variant is not present in population databases (gnomAD no frequency). This variant has not been reported in the literature in individuals affected with MRAS-related conditions. Algorithms developed to predict the effect of missense changes on protein structure and function (SIFT, PolyPhen-2, Align-GVGD) all suggest that this variant is likely to be tolerated. In summary, the available evidence is currently insufficient to determine the role of this variant in disease. Therefore, it has been classified as a Variant of Uncertain Significance.

NM_001085049.3(MRAS):c.510C>A (p.Asp170Glu)

Gene: MRAS (muscle RAS oncogene homolog; plus strand). Cytogenetic location: 3q22.3.
Variant type: single nucleotide variant.
Coding change: c.510C>A on transcript NM_001085049.3 (MANE Select); coding-DNA position 510, C replaced by A.
Protein change: p.Asp170Glu; replaces aspartic acid 170 with glutamic acid.
Molecular consequence: missense variant.
Genome position (GRCh38, 1-based): chr3:138,400,596, C>A. VCF-style: chr3-138400596-C-A. GRCh37 (hg19) VCF-style: chr3-138119438-C-A.
Other names: c.282C>A, p.Asp94Glu (NM_001252093.2, NM_001252091.1, NM_001252092.2); c.510C>A, p.Asp170Glu (NM_012219.4, NM_001252090.2); short protein forms D170E, D94E.
Identifiers: ClinVar variation 2820239 (VCV002820239.3), dbSNP rs765822649, ClinGen allele CA354677101.